The following is an entry in ClinVar:

ClinVar aggregate classification (germline): Likely benign. Review status: criteria provided, multiple submitters, no conflicts (2 of 4 stars). 2 submissions from 2 submitters: Likely benign (2). Last evaluated 2025-10-21.

Conditions:
Developmental and epileptic encephalopathy, 30 (DEE30). Also called: Epileptic encephalopathy, early infantile, 30. Identifiers: MedGen C4225360, MONDO:0014595, OMIM 616341.

Allele frequency attached by ClinVar (database versions not stated): ExAC 0.00003; ESP Exome Variant Server 0.00008; gnomAD 0.00010.

Submissions (2):

Labcorp Genetics (formerly Invitae), Labcorp
Classification: Likely benign for Developmental and epileptic encephalopathy, 30. Last evaluated: 2025-10-21. Review status: criteria provided, single submitter. Criteria: Invitae Variant Classification Sherloc (09022015). Collection method: clinical testing. Allele origin: germline.

CeGaT Center for Human Genetics Tuebingen
Classification: Likely benign. Last evaluated: 2024-05-01. Review status: criteria provided, single submitter. Criteria: CeGaT Center For Human Genetics Tuebingen Variant Classification Criteria Version 2. Collection method: clinical testing. Allele origin: germline. Affected: yes. Observed: 1 variant allele.
Comment: SIK1: BP4, BP7

NM_173354.5(SIK1):c.1875G>T (p.Leu625=)

Gene: SIK1 (salt inducible kinase 1; minus strand). Cytogenetic location: 21q22.3.
Variant type: single nucleotide variant.
Coding change: c.1875G>T on transcript NM_173354.5 (MANE Select); coding-DNA position 1875, G replaced by T.
Protein change: p.Leu625=; no amino-acid change (leucine 625 retained).
Molecular consequence: synonymous variant.
Genome position (GRCh38, 1-based): chr21:43,417,644, C>A on the plus strand (G>T on the coding strand, the complement: SIK1 is on the minus strand). VCF-style: chr21-43417644-C-A. GRCh37 (hg19) VCF-style: chr21-44837524-C-A.
Identifiers: ClinVar variation 542723 (VCV000542723.28), dbSNP rs376554812, ClinGen allele CA321324892.